The following is an entry in ClinVar:

NM_001025356.3(ANO6):c.586A>G (p.Ile196Val)

Gene: ANO6 (anoctamin 6; plus strand). Cytogenetic location: 12q12.
Variant type: single nucleotide variant.
Coding change: c.586A>G on transcript NM_001025356.3 (MANE Select); coding-DNA position 586, A replaced by G.
Protein change: p.Ile196Val; replaces isoleucine 196 with valine.
Molecular consequence: missense variant.
Genome position (GRCh38, 1-based): chr12:45,348,268, A>G. VCF-style: chr12-45348268-A-G. GRCh37 (hg19) VCF-style: chr12-45742051-A-G.
Other names: c.532A>G, p.Ile178Val (NM_001142678.2); c.586A>G, p.Ile196Val (NM_001142679.2); c.649A>G, p.Ile217Val (NM_001204803.2); c.553A>G, p.Ile185Val (NM_001410973.1); short protein forms I178V, I185V, I196V, I217V.
Identifiers: ClinVar variation 2691664 (VCV002691664.4), dbSNP rs1008915451, ClinGen allele CA236395517.

ClinVar aggregate classification (germline): Uncertain significance. Review status: criteria provided, multiple submitters, no conflicts (2 of 4 stars). 2 submissions from 2 submitters: Uncertain significance (2). Last evaluated 2025-07-21.

Allele frequency attached by ClinVar (database versions not stated): TOPMed 0.00005; gnomAD 0.00004.
gnomAD v4.1: 18 of 1,613,952 alleles (0.0011%); highest among the groups gnomAD compares: African/African-American, 0.0067%; no homozygotes.

Submissions (2):

Labcorp Genetics (formerly Invitae), Labcorp
Classification: Uncertain significance. Last evaluated: 2025-07-21. Review status: criteria provided, single submitter. Criteria: Invitae Variant Classification Sherloc (09022015). Collection method: clinical testing. Allele origin: germline.
Comment: This sequence change replaces isoleucine, which is neutral and non-polar, with valine, which is neutral and non-polar, at codon 196 of the ANO6 protein (p.Ile196Val). This variant is present in population databases (no rsID available, gnomAD 0.004%). This variant has not been reported in the literature in individuals affected with ANO6-related conditions. ClinVar contains an entry for this variant (Variation ID: 2691664). Invitae Evidence Modeling of protein sequence and biophysical properties (such as structural, functional, and spatial information, amino acid conservation, physicochemical variation, residue mobility, and thermodynamic stability) indicates that this missense variant is not expected to disrupt ANO6 protein function with a negative predictive value of 95%. In summary, the available evidence is currently insufficient to determine the role of this variant in disease. Therefore, it has been classified as a Variant of Uncertain Significance.

Women's Health and Genetics/Laboratory Corporation of America, LabCorp
Classification: Uncertain significance. Last evaluated: 2023-12-13. Review status: criteria provided, single submitter. Criteria: LabCorp Variant Classification Summary - May 2015. Collection method: clinical testing. Allele origin: germline.
Comment: Variant summary: ANO6 c.586A>G (p.Ile196Val) results in a conservative amino acid change located in the Anoctamin, dimerisation domain (IPR032394) of the encoded protein sequence. Four of five in-silico tools predict a benign effect of the variant on protein function. The variant allele was found at a frequency of 4e-06 in 250826 control chromosomes (gnomAD). The available data on variant occurrences in the general population are insufficient to allow any conclusion about variant significance. To our knowledge, no occurrence of c.586A>G in individuals affected with Scott syndrome and no experimental evidence demonstrating its impact on protein function have been reported. No submitters have cited clinical-significance assessments for this variant to ClinVar after 2014. Based on the evidence outlined above, the variant was classified as uncertain significance.